The following is an entry in ClinVar:

ClinVar aggregate classification (germline): Uncertain significance (1 of 4 stars; one submission).

Conditions:
LAMA2-related muscular dystrophy (LAMA2-RD). Also called: Laminin alpha 2-related dystrophy. Identifiers: MedGen C5679788, MONDO:0100228.

Submission:

Labcorp Genetics (formerly Invitae), Labcorp
Classification: Uncertain significance for LAMA2-related muscular dystrophy. Last evaluated: 2019-03-22. Review status: criteria provided, single submitter. Criteria: Invitae Variant Classification Sherloc (09022015). Collection method: clinical testing. Allele origin: germline.
Comment: This sequence change falls in intron 7 of the LAMA2 gene. It does not directly change the encoded amino acid sequence of the LAMA2 protein, but it affects a nucleotide within the consensus splice site of the intron. This variant is not present in population databases (ExAC no frequency). This variant has not been reported in the literature in individuals with LAMA2-related disease. Nucleotide substitutions within the consensus splice site are a relatively common cause of aberrant splicing (PMID: 17576681, 9536098). Algorithms developed to predict the effect of sequence changes on RNA splicing suggest that this variant may disrupt the consensus splice site, but this prediction has not been confirmed by published transcriptional studies. In summary, the available evidence is currently insufficient to determine the role of this variant in disease. Therefore, it has been classified as a Variant of Uncertain Significance.

Literature cited by the submitters: PubMed 17576681; PubMed 9536098.

NM_000426.4(LAMA2):c.1027+5G>A

Gene: LAMA2 (laminin subunit alpha 2; plus strand). Cytogenetic location: 6q22.33.
Variant type: single nucleotide variant.
Coding change: c.1027+5G>A on transcript NM_000426.4 (MANE Select); 5 bases into the intron after coding-DNA position 1027, G replaced by A.
Molecular consequence: intron variant.
Genome position (GRCh38, 1-based): chr6:129,149,101, G>A. VCF-style: chr6-129149101-G-A. GRCh37 (hg19) VCF-style: chr6-129470246-G-A.
Other names: c.1027+5G>A (NM_001079823.2).
Identifiers: ClinVar variation 654999 (VCV000654999.4), dbSNP rs1583138324, ClinGen allele CA915943594.